The following is an entry in ClinVar:

ClinVar aggregate classification (germline): Uncertain significance (1 of 4 stars; one submission).

gnomAD v4.1: 1 of 1,614,202 alleles (0.000062%); highest among the groups gnomAD compares: Non-Finnish European, 0.000085%; no homozygotes.

Submission:

Ambry Genetics
Classification: Uncertain significance. Last evaluated: 2025-10-14. Review status: criteria provided, single submitter. Criteria: Ambry Variant Classification Scheme 2023. Collection method: clinical testing. Allele origin: germline.
Comment: The p.Q415H variant (also known as c.1245G>C), located in coding exon 7 of the GALNT12 gene, results from a G to C substitution at nucleotide position 1245. The glutamine at codon 415 is replaced by histidine, an amino acid with highly similar properties. This amino acid position is conserved. In addition, this alteration is predicted to be tolerated by in silico analysis. Based on the available evidence, the clinical significance of this variant remains unclear.

NM_024642.5(GALNT12):c.1245G>C (p.Gln415His)

Gene: GALNT12 (polypeptide N-acetylgalactosaminyltransferase 12; plus strand). Cytogenetic location: 9q22.33.
Variant type: single nucleotide variant.
Coding change: c.1245G>C on transcript NM_024642.5 (MANE Select); coding-DNA position 1245, G replaced by C.
Protein change: p.Gln415His; replaces glutamine 415 with histidine.
Molecular consequence: missense variant.
Genome position (GRCh38, 1-based): chr9:98,840,034, G>C. VCF-style: chr9-98840034-G-C. GRCh37 (hg19) VCF-style: chr9-101602316-G-C.
Other names: short protein forms Q415H.
Identifiers: ClinVar variation 4670620 (VCV004670620.1).